The following is an entry in ClinVar:

ClinVar aggregate classification (germline): Pathogenic. Review status: criteria provided, multiple submitters, no conflicts (2 of 4 stars). 2 submissions from 2 submitters: Pathogenic (2). Last evaluated 2025-07-15.

Conditions:
ERCC2-related disorder. Also called: ERCC2-related disorders; ERCC2-related conditions; ERCC2-related condition. Identifiers: MedGen CN239291.

Allele frequency attached by ClinVar (database versions not stated): gnomAD 0.00001; gnomAD exomes below 0.00001; TOPMed below 0.00001.
gnomAD v4.1: 3 of 1,613,868 alleles (0.00019%); highest among the groups gnomAD compares: South Asian, 0.0011%; no homozygotes.

Submissions (2):

Myriad Genetics, Inc.
Classification: Pathogenic for ERCC2-related disorder. Last evaluated: 2025-07-15. Review status: criteria provided, single submitter. Criteria: Myriad Autosomal Dominant, Autosomal Recessive and X-Linked Classification Criteria (2023). Collection method: clinical testing. Allele origin: unknown.
Comment: NM_000400.3(ERCC2):c.1933C>T(Q645*) is expected to be pathogenic in the context of ERCC2-related disorders. This variant is predicted to lead to an abnormal or absent protein product due to the creation of a premature termination codon in ERCC2, a gene where loss-of-function variants are known to be pathogenic. Please note: this variant was assessed in the context of healthy population screening.

Labcorp Genetics (formerly Invitae), Labcorp
Classification: Pathogenic. Last evaluated: 2023-03-13. Review status: criteria provided, single submitter. Criteria: Invitae Variant Classification Sherloc (09022015). Collection method: clinical testing. Allele origin: germline.
Comment: For these reasons, this variant has been classified as Pathogenic. This variant has not been reported in the literature in individuals affected with ERCC2-related conditions. This variant is not present in population databases (gnomAD no frequency). This sequence change creates a premature translational stop signal (p.Gln645*) in the ERCC2 gene. It is expected to result in an absent or disrupted protein product. Loss-of-function variants in ERCC2 are known to be pathogenic (PMID: 9238033, 11335038, 19085937, 19934020).

Literature cited by the submitters: PubMed 9238033 (cited by Labcorp Genetics (formerly Invitae), Labcorp); PubMed 11335038 (cited by Labcorp Genetics (formerly Invitae), Labcorp); PubMed 19085937 (cited by Labcorp Genetics (formerly Invitae), Labcorp); PubMed 19934020 (cited by Labcorp Genetics (formerly Invitae), Labcorp).

NM_000400.4(ERCC2):c.1933C>T (p.Gln645Ter)

Gene: ERCC2 (ERCC excision repair 2, TFIIH core complex helicase subunit; minus strand). Cytogenetic location: 19q13.32.
Variant type: single nucleotide variant.
Coding change: c.1933C>T on transcript NM_000400.4 (MANE Select); coding-DNA position 1933, C replaced by T.
Protein change: p.Gln645Ter; replaces glutamine 645 with a stop codon.
Molecular consequence: nonsense.
Genome position (GRCh38, 1-based): chr19:45,352,619, G>A on the plus strand (C>T on the coding strand, the complement: ERCC2 is on the minus strand). VCF-style: chr19-45352619-G-A. GRCh37 (hg19) VCF-style: chr19-45855877-G-A.
Other names: short protein forms Q645*.
Identifiers: ClinVar variation 2915522 (VCV002915522.4), dbSNP rs1971848454, ClinGen allele CA406363447.
Genomic context (GRCh38, chr19:45,352,619, plus strand): 5'-CCACACACTGGGCCGCGTGGCGCATGGCATCGAAGGTAAGAAAGTCATTCTCACGAATCT[G>A]GAACTGGTCCCGCAGGTATTCCAGCCGCGCCTGCAGATACGGAGGATGAGAAGCTGGGGA-3'